The following is an entry in ClinVar:

NM_032898.5(CEP19):c.442_456del (p.Asp148_Ser152del)

Gene: CEP19 (centrosomal protein 19; minus strand). Cytogenetic location: 3q29.
Variant type: Deletion.
Coding change: c.442_456del on transcript NM_032898.5 (MANE Select); coding-DNA positions 442 to 456, 15 bases deleted (GATCAACTGCAGTCC).
Protein change: p.Asp148_Ser152del.
Molecular consequence: inframe deletion.
Genome position (GRCh38, 1-based): chr3:196,707,587-196,707,601, GGACTGCAGTTGATC deleted on the plus strand (GATCAACTGCAGTCC on the coding strand, the reverse complement: CEP19 is on the minus strand); deleting any 15 consecutive bases within chr3:196,707,587-196,707,602 gives the same sequence; the c. name uses the placement nearest the transcript's 3' end. VCF-style (leftmost placement, unchanged base first): chr3-196707586-AGGACTGCAGTTGATC-A. GRCh37 (hg19) VCF-style: chr3-196434457-AGGACTGCAGTTGATC-A.
Other names: c.337_351del, p.Asp113_Ser117del (NM_001379468.1); c.442_456del, p.Asp148_Ser152del (NM_001379469.1, NM_001379470.1).
Identifiers: ClinVar variation 1501986 (VCV001501986.5), dbSNP rs1711566871, ClinGen allele CA1058213635.

ClinVar aggregate classification (germline): Uncertain significance (1 of 4 stars; one submission).

Submission:

Labcorp Genetics (formerly Invitae), Labcorp
Classification: Uncertain significance. Last evaluated: 2021-09-01. Review status: criteria provided, single submitter. Criteria: Invitae Variant Classification Sherloc (09022015). Collection method: clinical testing. Allele origin: germline.
Comment: This variant, c.454_468del, results in the deletion of 5 amino acid(s) of the CEP19 protein (p.Asp152_Ser156del), but otherwise preserves the integrity of the reading frame. This variant is not present in population databases (ExAC no frequency). This variant has not been reported in the literature in individuals affected with CEP19-related conditions. Experimental studies and prediction algorithms are not available or were not evaluated, and the functional significance of this variant is currently unknown. In summary, the available evidence is currently insufficient to determine the role of this variant in disease. Therefore, it has been classified as a Variant of Uncertain Significance.